The following is an entry in ClinVar:

ClinVar aggregate classification (germline): Pathogenic (1 of 4 stars; one submission).

Conditions:
Short-rib thoracic dysplasia 6 with or without polydactyly (SRTD6). Also called: POLYDACTYLY WITH NEONATAL CHONDRODYSTROPHY, TYPE II; SHORT RIB-POLYDACTYLY SYNDROME, TYPE IIA; Majewski Syndrome; SHORT-RIB THORACIC DYSPLASIA 6 WITH POLYDACTYLY; SHORT-RIB THORACIC DYSPLASIA 6 WITHOUT POLYDACTYLY. Identifiers: MedGen C0024507, MONDO:0009894, OMIM 263520.

Submission:

Labcorp Genetics (formerly Invitae), Labcorp
Classification: Pathogenic for Short-rib thoracic dysplasia 6 with or without polydactyly. Last evaluated: 2023-05-11. Review status: criteria provided, single submitter. Criteria: Invitae Variant Classification Sherloc (09022015). Collection method: clinical testing. Allele origin: germline.
Comment: This variant has not been reported in the literature in individuals affected with NEK1-related conditions. For these reasons, this variant has been classified as Pathogenic. This variant is not present in population databases (gnomAD no frequency). This sequence change creates a premature translational stop signal (p.Trp465*) in the NEK1 gene. It is expected to result in an absent or disrupted protein product. Loss-of-function variants in NEK1 are known to be pathogenic (PMID: 22499340, 29068549).

Literature cited by the submitters: PubMed 22499340; PubMed 29068549.

NM_001199397.3(NEK1):c.1395G>A (p.Trp465Ter)

Gene: NEK1 (NIMA related kinase 1; minus strand). Cytogenetic location: 4q33.
Variant type: single nucleotide variant.
Coding change: c.1395G>A on transcript NM_001199397.3 (MANE Select); coding-DNA position 1395, G replaced by A.
Protein change: p.Trp465Ter; replaces tryptophan 465 with a stop codon.
Molecular consequence: nonsense. On other transcripts: non-coding transcript variant (1).
Genome position (GRCh38, 1-based): chr4:169,555,967, C>T on the plus strand (G>A on the coding strand, the complement: NEK1 is on the minus strand). VCF-style: chr4-169555967-C-T. GRCh37 (hg19) VCF-style: chr4-170477118-C-T.
Other names: c.1395G>A, p.Trp465Ter (NM_001199398.3, NM_001199400.3, NM_001374418.1 and 2 more transcripts); c.1320G>A, p.Trp440Ter (NM_001199399.3); c.1344G>A, p.Trp448Ter (NM_001374420.1); c.1269G>A, p.Trp423Ter (NM_001374421.1); short protein forms W423*, W440*, W448*, W465*.
Identifiers: ClinVar variation 2980038 (VCV002980038.3), dbSNP rs2546763854, ClinGen allele CA358733913.
Genomic context (GRCh38, chr4:169,555,967, plus strand): 5'-CAACTTCTGCAGAACATAGCCATACCTTTCTGGAAGACCTCGACCATATATTTCTCTTTT[C>T]CATTTAGCTTCATTATCTTCTGCTCTTTGTTGCTGCATTTGGTCAAAAATGGCATGGTAA-3'